The following is an entry in ClinVar:

NM_152618.3(BBS12):c.1892C>G (p.Ser631Cys)

Gene: BBS12 (Bardet-Biedl syndrome 12; plus strand). Cytogenetic location: 4q27.
Variant type: single nucleotide variant.
Coding change: c.1892C>G on transcript NM_152618.3 (MANE Select); coding-DNA position 1892, C replaced by G.
Protein change: p.Ser631Cys; replaces serine 631 with cysteine.
Molecular consequence: missense variant.
Genome position (GRCh38, 1-based): chr4:122,743,784, C>G. VCF-style: chr4-122743784-C-G. GRCh37 (hg19) VCF-style: chr4-123664939-C-G.
Other names: c.1892C>G, p.Ser631Cys (NM_001178007.2); short protein forms S631C.
Identifiers: ClinVar variation 3347593 (VCV003347593.3).

ClinVar aggregate classification (germline): Uncertain significance. Review status: criteria provided, multiple submitters, no conflicts (2 of 4 stars). 3 submissions from 3 submitters: Uncertain significance (2). 1 of the submissions does not count toward it. Last evaluated 2025-06-11.

Conditions:
Bardet-Biedl syndrome 12 (BBS12). Identifiers: Orphanet 110, MedGen C1859570, MONDO:0014440, OMIM 615989.
Inborn genetic diseases. Identifiers: MedGen C0950123, MeSH D030342.
BBS12-related disorder. Also called: BBS12-related condition.

gnomAD v4.1: 3 of 1,613,956 alleles (0.00019%); highest among the groups gnomAD compares: Non-Finnish European, 0.00025%; no homozygotes.

Submissions (3):

Ambry Genetics
Classification: Uncertain significance for Inborn genetic diseases. Last evaluated: 2025-06-11. Review status: criteria provided, single submitter. Criteria: Ambry Variant Classification Scheme 2023. Collection method: clinical testing. Allele origin: germline.

Fulgent Genetics
Classification: Uncertain significance for Bardet-Biedl syndrome 12. Last evaluated: 2024-05-14. Review status: criteria provided, single submitter. Criteria: ACMG Guidelines, 2015. Collection method: clinical testing. Allele origin: germline.

PreventionGenetics, part of Exact Sciences
Classification: Uncertain significance for BBS12-related condition. Last evaluated: 2024-05-15. Review status: no assertion criteria provided. Collection method: clinical testing. Allele origin: germline. Not counted in ClinVar's aggregate classification.
Comment: The BBS12 c.1892C>G variant is predicted to result in the amino acid substitution p.Ser631Cys. To our knowledge, this variant has not been reported in the literature or in a large population database, indicating this variant is rare. At this time, the clinical significance of this variant is uncertain due to the absence of conclusive functional and genetic evidence.